The following is an entry in ClinVar:

ClinVar aggregate classification (germline): Likely benign (0 of 4 stars; one submission).

Conditions:
BRCA1-related disorder. Also called: BRCA1-related condition.

Allele frequency attached by ClinVar (database versions not stated): gnomAD exomes 0.00004; ExAC 0.00009; gnomAD 0.00013; TOPMed 0.00014; 1000 Genomes Project 30x 0.00016; 1000 Genomes Project 0.00020.
gnomAD v4.1: 33 of 534,842 alleles (0.0062%); highest among the groups gnomAD compares: African/African-American, 0.056%; no homozygotes.

Submission:

PreventionGenetics, part of Exact Sciences
Classification: Likely benign for BRCA1-related condition. Last evaluated: 2019-04-15. Review status: no assertion criteria provided. Collection method: clinical testing. Allele origin: germline.
Comment: This variant is classified as likely benign based on ACMG/AMP sequence variant interpretation guidelines (Richards et al. 2015 PMID: 25741868, with internal and published modifications).

NM_007294.4(BRCA1):c.*536A>G

Gene: BRCA1 (BRCA1 DNA repair associated; minus strand). Cytogenetic location: 17q21.31.
Variant type: single nucleotide variant.
Coding change: c.*536A>G on transcript NM_007294.4 (MANE Select); 536 bases downstream of the stop codon, A replaced by G.
Molecular consequence: 3 prime UTR variant.
Genome position (GRCh38, 1-based): chr17:43,045,142, T>C on the plus strand (A>G on the coding strand, the complement: BRCA1 is on the minus strand). VCF-style: chr17-43045142-T-C. GRCh37 (hg19) VCF-style: chr17-41197159-T-C.
Other names: c.*536A>G (NM_001407571.1, NM_001407581.1, NM_001407582.1 and 348 more transcripts); c.*642A>G (NM_001407854.1, NM_001407858.1, NM_001407859.1 and 14 more transcripts).
Identifiers: ClinVar variation 3038363 (VCV003038363.2), dbSNP rs530929756, ClinGen allele CA056298.